The following is an entry in ClinVar:

NM_000257.4(MYH7):c.109G>A (p.Val37Ile)

Gene: MYH7 (myosin heavy chain 7; minus strand). Cytogenetic location: 14q11.2.
Variant type: single nucleotide variant.
Coding change: c.109G>A on transcript NM_000257.4 (MANE Select); coding-DNA position 109, G replaced by A.
Protein change: p.Val37Ile; replaces valine 37 with isoleucine.
Molecular consequence: missense variant.
Genome position (GRCh38, 1-based): chr14:23,433,624, C>T on the plus strand (G>A on the coding strand, the complement: MYH7 is on the minus strand). VCF-style: chr14-23433624-C-T. GRCh37 (hg19) VCF-style: chr14-23902833-C-T.
Other names: c.109G>A, p.Val37Ile (NM_001407004.1); short protein forms V37I.
Identifiers: ClinVar variation 1791793 (VCV001791793.2), dbSNP rs2502322556, ClinGen allele CA389053880.

ClinVar aggregate classification (germline): Uncertain significance (1 of 4 stars; one submission).

Conditions:
Cardiovascular phenotype. Identifiers: MedGen CN230736.

Submission:

Ambry Genetics
Classification: Uncertain significance for Cardiovascular phenotype. Last evaluated: 2021-06-08. Review status: criteria provided, single submitter. Criteria: Ambry Variant Classification Scheme 2023. Collection method: clinical testing. Allele origin: germline.
Comment: The p.V37I variant (also known as c.109G>A), located in coding exon 1 of the MYH7 gene, results from a G to A substitution at nucleotide position 109. The valine at codon 37 is replaced by isoleucine, an amino acid with highly similar properties. This variant has been detected in an individual reported to have hypertrophic cardiomyopathy; however, details were limited (Adler A et al. Circ Arrhythm Electrophysiol, 2016 Jan;9:e003440). This amino acid position is not well conserved in available vertebrate species. In addition, this alteration is predicted to be tolerated by in silico analysis. Since supporting evidence is limited at this time, the clinical significance of this alteration remains unclear.

Literature cited by the submitters: PubMed 26743238.